The following is an entry in ClinVar:

NM_017514.5(PLXNA3):c.4657G>A (p.Glu1553Lys)

Gene: PLXNA3 (plexin A3; plus strand). Cytogenetic location: Xq28.
Variant type: single nucleotide variant.
Coding change: c.4657G>A on transcript NM_017514.5 (MANE Select); coding-DNA position 4657, G replaced by A.
Protein change: p.Glu1553Lys; replaces glutamic acid 1553 with lysine.
Molecular consequence: missense variant.
Genome position (GRCh38, 1-based): chrX:154,469,441, G>A. VCF-style: chrX-154469441-G-A. GRCh37 (hg19) VCF-style: chrX-153697784-G-A.
Other names: NC_000023.10:g.153697784G>A; short protein forms E1553K.
Identifiers: ClinVar variation 2636651 (VCV002636651.3), dbSNP rs200342725, ClinGen allele CA10564921.

ClinVar aggregate classification (germline): Uncertain significance (1 of 4 stars; one submission).

Conditions:
PLXNA3-related disorder. Also called: PLXNA3-related condition.

Submissions (2):

PreventionGenetics, part of Exact Sciences
Classification: Uncertain significance for PLXNA3-related condition. Last evaluated: 2024-12-13. Review status: criteria provided, single submitter. Criteria: ACMG Guidelines, 2015. Collection method: clinical testing. Allele origin: germline.
Comment: The PLXNA3 c.4657G>A variant is predicted to result in the amino acid substitution p.Glu1553Lys. To our knowledge, this variant has not been reported in the literature. This variant is reported in 0.0053% of alleles in individuals of African descent in gnomAD. At this time, the clinical significance of this variant is uncertain due to the absence of conclusive functional and genetic evidence.

Dr. Peter K. Rogan Lab, Western University
No classification provided (evidence only). Condition: Nonpapillary renal cell carcinoma. Review status: no classification provided. Collection method: in vitro. Allele origin: not applicable. Functional consequence: retained intron. Not counted in ClinVar's aggregate classification.